The following is an entry in ClinVar:

NM_021813.4(BACH2):c.327C>A (p.Val109=)

Gene: BACH2 (BACH transcriptional regulator 2; minus strand). Cytogenetic location: 6q15.
Variant type: single nucleotide variant.
Coding change: c.327C>A on transcript NM_021813.4 (MANE Select); coding-DNA position 327, C replaced by A.
Protein change: p.Val109=; no amino-acid change (valine 109 retained).
Molecular consequence: synonymous variant.
Genome position (GRCh38, 1-based): chr6:89,951,779, G>T on the plus strand (C>A on the coding strand, the complement: BACH2 is on the minus strand). VCF-style: chr6-89951779-G-T. GRCh37 (hg19) VCF-style: chr6-90661498-G-T.
Other names: c.327C>A, p.Val109= (NM_001170794.2).
Identifiers: ClinVar variation 4085807 (VCV004085807.8).

ClinVar aggregate classification (germline): Likely benign (1 of 4 stars; one submission).

Submission:

CeGaT Center for Human Genetics Tuebingen
Classification: Likely benign. Last evaluated: 2025-08-01. Review status: criteria provided, single submitter. Criteria: CeGaT Center For Human Genetics Tuebingen Variant Classification Criteria Version 2. Collection method: clinical testing. Allele origin: germline. Affected: yes. Observed: 1 variant allele.
Comment: BACH2: PM2:Supporting, BP4, BP7